The following is an entry in ClinVar:

NM_014795.4(ZEB2):c.493G>T (p.Glu165Ter)

Gene: ZEB2 (zinc finger E-box binding homeobox 2; minus strand). Cytogenetic location: 2q22.3.
Variant type: single nucleotide variant.
Coding change: c.493G>T on transcript NM_014795.4 (MANE Select); coding-DNA position 493, G replaced by T.
Protein change: p.Glu165Ter; replaces glutamic acid 165 with a stop codon.
Molecular consequence: nonsense.
Genome position (GRCh38, 1-based): chr2:144,404,935, C>A on the plus strand (G>T on the coding strand, the complement: ZEB2 is on the minus strand). VCF-style: chr2-144404935-C-A. GRCh37 (hg19) VCF-style: chr2-145162502-C-A.
Other names: c.421G>T, p.Glu141Ter (NM_001171653.2); short protein forms E141*, E165*.
Identifiers: ClinVar variation 843162 (VCV000843162.1), dbSNP rs1314954470, ClinGen allele CA348715300.

ClinVar aggregate classification (germline): Pathogenic (1 of 4 stars; one submission).

Conditions:
Mowat-Wilson syndrome (MOWS). Also called: Classic Mowat-Wilson Syndrome. Identifiers: Orphanet 2152, MedGen C1856113, MONDO:0009341, OMIM 235730.

Submission:

Labcorp Genetics (formerly Invitae), Labcorp
Classification: Pathogenic for Mowat-Wilson syndrome. Last evaluated: 2019-01-04. Review status: criteria provided, single submitter. Criteria: Invitae Variant Classification Sherloc (09022015). Collection method: clinical testing. Allele origin: germline.
Comment: This sequence change creates a premature translational stop signal (p.Glu165*) in the ZEB2 gene. It is expected to result in an absent or disrupted protein product. This variant is not present in population databases (ExAC no frequency). This variant has not been reported in the literature in individuals with ZEB2-related conditions. Loss-of-function variants in ZEB2 are known to be pathogenic (PMID: 16053902). For these reasons, this variant has been classified as Pathogenic.